The following is an entry in ClinVar:

NM_006231.4(POLE):c.5130C>T (p.Asp1710=)

Gene: POLE (DNA polymerase epsilon, catalytic subunit; minus strand). Cytogenetic location: 12q24.33.
Variant type: single nucleotide variant.
Coding change: c.5130C>T on transcript NM_006231.4 (MANE Select); coding-DNA position 5130, C replaced by T.
Protein change: p.Asp1710=; no amino-acid change (aspartic acid 1710 retained).
Molecular consequence: synonymous variant.
Genome position (GRCh38, 1-based): chr12:132,642,220, G>A on the plus strand (C>T on the coding strand, the complement: POLE is on the minus strand). VCF-style: chr12-132642220-G-A. GRCh37 (hg19) VCF-style: chr12-133218806-G-A.
Identifiers: ClinVar variation 484463 (VCV000484463.49), dbSNP rs1340452589, ClinGen allele CA482848761.
Genomic context (GRCh38, chr12:132,642,220, plus strand): 5'-TCCTCCCGCCCACTTACCTGTGGAGTAACAGCCTGAACTGTTGATCTCAACAGTGGCTTG[G>A]TCATCGAACTCCATGACAAGACAGTTGTCATCAGCCTCCTTTCCACCCAGGTCAGGGCGG-3'
Protein context (NP_006222.2, residues 1700-1720): DDNCLVMEFD[Asp1710=]QATVEINSSG

ClinVar aggregate classification (germline): Likely benign. Review status: criteria provided, multiple submitters, no conflicts (2 of 4 stars). 5 submissions from 5 submitters: Likely benign (4). 1 of the submissions does not count toward it. Last evaluated 2026-01-22.

Conditions:
POLE-related disorder. Also called: POLE-related disorders; POLE-related condition.
Hereditary cancer-predisposing syndrome. Also called: Hereditary neoplastic syndrome; Tumor predisposition; Neoplastic Syndromes, Hereditary; Hereditary Cancer Syndrome. Identifiers: Orphanet 140162, MedGen C0027672, MeSH D009386, MONDO:0015356.

Allele frequency attached by ClinVar (database versions not stated): gnomAD 0.00001; TOPMed 0.00001.
gnomAD v4.1: 6 of 1,607,926 alleles (0.00037%); highest among the groups gnomAD compares: Non-Finnish European, 0.00051%; no homozygotes.

Submissions (5):

Labcorp Genetics (formerly Invitae), Labcorp
Classification: Likely benign. Last evaluated: 2026-01-22. Review status: criteria provided, single submitter. Criteria: Invitae Variant Classification Sherloc (09022015). Collection method: clinical testing. Allele origin: germline.

CeGaT Center for Human Genetics Tuebingen
Classification: Likely benign. Last evaluated: 2022-01-01. Review status: criteria provided, single submitter. Criteria: CeGaT Center For Human Genetics Tuebingen Variant Classification Criteria Version 2. Collection method: clinical testing. Allele origin: germline. Affected: yes. Observed: 1 variant allele.

Women's Health and Genetics/Laboratory Corporation of America, LabCorp
Classification: Likely benign. Last evaluated: 2019-08-29. Review status: criteria provided, single submitter. Criteria: LabCorp Variant Classification Summary - May 2015. Collection method: clinical testing. Allele origin: germline.

Ambry Genetics
Classification: Likely benign for Hereditary cancer-predisposing syndrome. Last evaluated: 2015-07-18. Review status: criteria provided, single submitter. Criteria: Ambry Variant Classification Scheme 2023. Collection method: clinical testing. Allele origin: germline.

PreventionGenetics, part of Exact Sciences
Classification: Likely benign for POLE-related condition. Last evaluated: 2022-12-12. Review status: no assertion criteria provided. Collection method: clinical testing. Allele origin: germline. Not counted in ClinVar's aggregate classification.
Comment: This variant is classified as likely benign based on ACMG/AMP sequence variant interpretation guidelines (Richards et al. 2015 PMID: 25741868, with internal and published modifications).